The following is an entry in ClinVar:

ClinVar aggregate classification (germline): Uncertain significance (1 of 4 stars; one submission).

Conditions:
Cardiovascular phenotype. Identifiers: MedGen CN230736.

gnomAD v4.1: 7 of 1,549,804 alleles (0.00045%); highest among the groups gnomAD compares: East Asian, 0.0024%; no homozygotes.

Submission:

Ambry Genetics
Classification: Uncertain significance for Cardiovascular phenotype. Last evaluated: 2025-06-10. Review status: criteria provided, single submitter. Criteria: Ambry Variant Classification Scheme 2023. Collection method: clinical testing. Allele origin: germline.
Comment: The p.S632L variant (also known as c.1895C>T), located in coding exon 1 of the ZNF469 gene, results from a C to T substitution at nucleotide position 1895. The serine at codon 632 is replaced by leucine, an amino acid with dissimilar properties. This amino acid position is conserved. In addition, this alteration is predicted to be tolerated by in silico analysis. Based on the available evidence, the clinical significance of this variant remains unclear.

NM_001367624.2(ZNF469):c.1895C>T (p.Ser632Leu)

Gene: ZNF469 (zinc finger protein 469; plus strand). Cytogenetic location: 16q24.2.
Variant type: single nucleotide variant.
Coding change: c.1895C>T on transcript NM_001367624.2 (MANE Select); coding-DNA position 1895, C replaced by T.
Protein change: p.Ser632Leu; replaces serine 632 with leucine.
Molecular consequence: missense variant.
Genome position (GRCh38, 1-based): chr16:88,429,365, C>T. VCF-style: chr16-88429365-C-T. GRCh37 (hg19) VCF-style: chr16-88495773-C-T.
Other names: NM_001127464.1:c.1895C>T; short protein forms S632L.
Identifiers: ClinVar variation 3987390 (VCV003987390.1).